The following is an entry in ClinVar:

ClinVar aggregate classification (germline): Pathogenic (1 of 4 stars; one submission).

Submission:

Labcorp Genetics (formerly Invitae), Labcorp
Classification: Pathogenic. Last evaluated: 2024-11-27. Review status: criteria provided, single submitter. Criteria: Invitae Variant Classification Sherloc (09022015). Collection method: clinical testing. Allele origin: germline.
Comment: This sequence change creates a premature translational stop signal (p.Leu353*) in the MBD4 gene. It is expected to result in an absent or disrupted protein product. Loss-of-function variants in MBD4 are known to be pathogenic (PMID: 30049810, 35460607). This variant is not present in population databases (gnomAD no frequency). This variant has not been reported in the literature in individuals affected with MBD4-related conditions. For these reasons, this variant has been classified as Pathogenic.

Literature cited by the submitters: PubMed 30049810; PubMed 35460607.

NM_001276270.2(MBD4):c.1058T>A (p.Leu353Ter)

Gene: MBD4 (methyl-CpG binding domain 4, DNA glycosylase; minus strand). Cytogenetic location: 3q21.3.
Variant type: single nucleotide variant.
Coding change: c.1058T>A on transcript NM_001276270.2 (MANE Select); coding-DNA position 1058, T replaced by A.
Protein change: p.Leu353Ter; replaces leucine 353 with a stop codon.
Molecular consequence: nonsense. On other transcripts: intron variant (1).
Genome position (GRCh38, 1-based): chr3:129,436,586, A>T on the plus strand (T>A on the coding strand, the complement: MBD4 is on the minus strand). VCF-style: chr3-129436586-A-T. GRCh37 (hg19) VCF-style: chr3-129155429-A-T.
Other names: c.1058T>A, p.Leu353Ter (NM_001276271.2, NM_001276272.2, NM_003925.3); c.247+1222T>A (NM_001276273.2); short protein forms L353*.
Identifiers: ClinVar variation 3726241 (VCV003726241.2).